The following is an entry in ClinVar:

ClinVar aggregate classification (germline): Uncertain significance (1 of 4 stars; one submission).

Allele frequency attached by ClinVar (database versions not stated): gnomAD 0.00001; TOPMed 0.00001.
gnomAD v4.1: 1 of 1,613,872 alleles (0.000062%); highest among the groups gnomAD compares: Non-Finnish European, 0.000085%; no homozygotes.

Submission:

Labcorp Genetics (formerly Invitae), Labcorp
Classification: Uncertain significance. Last evaluated: 2022-05-29. Review status: criteria provided, single submitter. Criteria: Invitae Variant Classification Sherloc (09022015). Collection method: clinical testing. Allele origin: germline.
Comment: This sequence change replaces glycine, which is neutral and non-polar, with serine, which is neutral and polar, at codon 187 of the TUBGCP6 protein (p.Gly187Ser). This variant is not present in population databases (gnomAD no frequency). In summary, the available evidence is currently insufficient to determine the role of this variant in disease. Therefore, it has been classified as a Variant of Uncertain Significance. Algorithms developed to predict the effect of missense changes on protein structure and function are either unavailable or do not agree on the potential impact of this missense change (SIFT: "Tolerated"; PolyPhen-2: "Probably Damaging"; Align-GVGD: "Class C0"). This variant has not been reported in the literature in individuals affected with TUBGCP6-related conditions.

NM_020461.4(TUBGCP6):c.559G>A (p.Gly187Ser)

Gene: TUBGCP6 (tubulin gamma complex component 6; minus strand). Cytogenetic location: 22q13.33.
Variant type: single nucleotide variant.
Coding change: c.559G>A on transcript NM_020461.4 (MANE Select); coding-DNA position 559, G replaced by A.
Protein change: p.Gly187Ser; replaces glycine 187 with serine.
Molecular consequence: missense variant.
Genome position (GRCh38, 1-based): chr22:50,243,901, C>T on the plus strand (G>A on the coding strand, the complement: TUBGCP6 is on the minus strand). VCF-style: chr22-50243901-C-T. GRCh37 (hg19) VCF-style: chr22-50682330-C-T.
Other names: short protein forms G187S.
Identifiers: ClinVar variation 1970294 (VCV001970294.5), dbSNP rs908741397, ClinGen allele CA325485238.